The following is an entry in ClinVar:

NM_000157.4(GBA1):c.952C>T (p.Leu318Phe)

Genes: GBA1 (glucosylceramidase beta 1; minus strand), LOC106627981 (GBA recombination region; plus strand). Cytogenetic location: 1q22.
Variant type: single nucleotide variant.
Coding change: c.952C>T on transcript NM_000157.4 (MANE Select); coding-DNA position 952, C replaced by T.
Protein change: p.Leu318Phe; replaces leucine 318 with phenylalanine.
Molecular consequence: missense variant.
Genome position (GRCh38, 1-based): chr1:155,237,388, G>A on the plus strand (C>T on the coding strand, the complement: GBA1 is on the minus strand). VCF-style: chr1-155237388-G-A. GRCh37 (hg19) VCF-style: chr1-155207179-G-A.
Other names: c.952C>T, p.Leu318Phe (NM_001005741.3, NM_001005742.3); c.691C>T, p.Leu231Phe (NM_001171811.2); c.805C>T, p.Leu269Phe (NM_001171812.2); short protein forms L231F, L269F, L318F.
Identifiers: ClinVar variation 5040172 (VCV005040172.1).

ClinVar aggregate classification (germline): Uncertain significance (1 of 4 stars; one submission).

Submission:

CeGaT Center for Human Genetics Tuebingen
Classification: Uncertain significance. Last evaluated: 2026-07-01. Review status: criteria provided, single submitter. Criteria: CeGaT Center For Human Genetics Tuebingen Variant Classification Criteria Version 2. Collection method: clinical testing. Allele origin: germline. Affected: yes. Observed: 1 variant allele.
Comment: GBA1: PM2